The following is an entry in ClinVar:

NM_024298.5(MBOAT7):c.561C>T (p.Ser187=)

Gene: MBOAT7 (membrane bound acylglycerophosphatidylinositol O-acyltransferase MBOAT7; minus strand). Cytogenetic location: 19q13.42.
Variant type: single nucleotide variant.
Coding change: c.561C>T on transcript NM_024298.5 (MANE Select); coding-DNA position 561, C replaced by T.
Protein change: p.Ser187=; no amino-acid change (serine 187 retained).
Molecular consequence: synonymous variant.
Genome position (GRCh38, 1-based): chr19:54,181,066, G>A on the plus strand (C>T on the coding strand, the complement: MBOAT7 is on the minus strand). VCF-style: chr19-54181066-G-A. GRCh37 (hg19) VCF-style: chr19-54684783-G-A.
Other names: c.342C>T, p.Ser114= (NM_001146056.3, NM_001146083.3); c.561C>T, p.Ser187= (NM_001146082.3).
Identifiers: ClinVar variation 3256992 (VCV003256992.17).

ClinVar aggregate classification (germline): Likely benign (1 of 4 stars; one submission).

gnomAD v4.1: 3 of 1,534,402 alleles (0.0002%); highest among the groups gnomAD compares: Non-Finnish European, 0.00026%; no homozygotes.

Submission:

CeGaT Center for Human Genetics Tuebingen
Classification: Likely benign. Last evaluated: 2024-07-01. Review status: criteria provided, single submitter. Criteria: CeGaT Center For Human Genetics Tuebingen Variant Classification Criteria Version 2. Collection method: clinical testing. Allele origin: germline. Affected: yes. Observed: 1 variant allele.
Comment: MBOAT7: BP4, BP7